The following is an entry in ClinVar:

ClinVar aggregate classification (germline): Uncertain significance (1 of 4 stars; one submission).

Submission:

Ambry Genetics
Classification: Uncertain significance. Last evaluated: 2025-12-27. Review status: criteria provided, single submitter. Criteria: Ambry Variant Classification Scheme 2023. Collection method: clinical testing. Allele origin: germline.
Comment: The p.K672Q variant (also known as c.2014A>C), located in coding exon 1 of the MLH3 gene, results from an A to C substitution at nucleotide position 2014. The lysine at codon 672 is replaced by glutamine, an amino acid with similar properties. This amino acid position is conserved. In addition, this alteration is predicted to be tolerated by in silico analysis. Based on the available evidence, the clinical significance of this variant remains unclear.

NM_001040108.2(MLH3):c.2014A>C (p.Lys672Gln)

Gene: MLH3 (mutL homolog 3; minus strand). Cytogenetic location: 14q24.3.
Variant type: single nucleotide variant.
Coding change: c.2014A>C on transcript NM_001040108.2 (MANE Select); coding-DNA position 2014, A replaced by C.
Protein change: p.Lys672Gln; replaces lysine 672 with glutamine.
Molecular consequence: missense variant.
Genome position (GRCh38, 1-based): chr14:75,047,642, T>G on the plus strand (A>C on the coding strand, the complement: MLH3 is on the minus strand). VCF-style: chr14-75047642-T-G. GRCh37 (hg19) VCF-style: chr14-75514345-T-G.
Other names: c.2014A>C, p.Lys672Gln (NM_014381.3); short protein forms K672Q.
Identifiers: ClinVar variation 4841835 (VCV004841835.1).